The following is an entry in ClinVar:

ClinVar aggregate classification (germline): Uncertain significance. Review status: criteria provided, multiple submitters, no conflicts (2 of 4 stars). 2 submissions from 2 submitters: Uncertain significance (2). Last evaluated 2024-08-03.

Conditions:
Hereditary cancer-predisposing syndrome. Also called: Hereditary Cancer Syndrome; Hereditary neoplastic syndrome; Neoplastic Syndromes, Hereditary; Tumor predisposition. Identifiers: Orphanet 140162, MedGen C0027672, MeSH D009386, MONDO:0015356.
Bloom syndrome (BLM). Also called: Bloom-Torre-Machacek syndrome. Identifiers: Orphanet 125, MedGen C0005859, MONDO:0008876, OMIM 210900.

Allele frequency attached by ClinVar (database versions not stated): gnomAD exomes below 0.00001.
gnomAD v4.1: 3 of 1,606,110 alleles (0.00019%); highest among the groups gnomAD compares: South Asian, 0.0033%; no homozygotes.

Submissions (2):

Labcorp Genetics (formerly Invitae), Labcorp
Classification: Uncertain significance for Bloom syndrome. Last evaluated: 2024-08-03. Review status: criteria provided, single submitter. Criteria: Invitae Variant Classification Sherloc (09022015). Collection method: clinical testing. Allele origin: germline.
Comment: This sequence change replaces serine, which is neutral and polar, with leucine, which is neutral and non-polar, at codon 43 of the BLM protein (p.Ser43Leu). This variant is not present in population databases (gnomAD no frequency). This variant has not been reported in the literature in individuals affected with BLM-related conditions. ClinVar contains an entry for this variant (Variation ID: 1769064). An algorithm developed to predict the effect of missense changes on protein structure and function outputs the following: PolyPhen-2: "Benign". The leucine amino acid residue is found in multiple mammalian species, which suggests that this missense change does not adversely affect protein function. In summary, the available evidence is currently insufficient to determine the role of this variant in disease. Therefore, it has been classified as a Variant of Uncertain Significance.

Ambry Genetics
Classification: Uncertain significance for Hereditary cancer-predisposing syndrome. Last evaluated: 2021-06-30. Review status: criteria provided, single submitter. Criteria: Ambry Variant Classification Scheme 2023. Collection method: clinical testing. Allele origin: germline.
Comment: The p.S43L variant (also known as c.128C>T), located in coding exon 2 of the BLM gene, results from a C to T substitution at nucleotide position 128. The serine at codon 43 is replaced by leucine, an amino acid with dissimilar properties. In addition, this alteration is predicted to be tolerated by in silico analysis. Since supporting evidence is limited at this time, the clinical significance of this alteration remains unclear.

NM_000057.4(BLM):c.128C>T (p.Ser43Leu)

Gene: BLM (BLM RecQ like helicase; plus strand). Cytogenetic location: 15q26.1.
Variant type: single nucleotide variant.
Coding change: c.128C>T on transcript NM_000057.4 (MANE Select); coding-DNA position 128, C replaced by T.
Protein change: p.Ser43Leu; replaces serine 43 with leucine.
Molecular consequence: missense variant. On other transcripts: 5 prime UTR variant (1).
Genome position (GRCh38, 1-based): chr15:90,749,396, C>T. VCF-style: chr15-90749396-C-T. GRCh37 (hg19) VCF-style: chr15-91292626-C-T.
Other names: c.128C>T, p.Ser43Leu (NM_001287246.2, NM_001287247.2); c.-1164C>T (NM_001287248.2); short protein forms S43L.
Identifiers: ClinVar variation 1769064 (VCV001769064.4), dbSNP rs2505390179, ClinGen allele CA393839394.